The following is an entry in ClinVar:

ClinVar aggregate classification (germline): Uncertain significance (1 of 4 stars; one submission).

Conditions:
Hereditary cancer-predisposing syndrome. Also called: Neoplastic Syndromes, Hereditary; Tumor predisposition; Hereditary neoplastic syndrome; Hereditary Cancer Syndrome. Identifiers: Orphanet 140162, MedGen C0027672, MeSH D009386, MONDO:0015356.

Submission:

Ambry Genetics
Classification: Uncertain significance for Hereditary cancer-predisposing syndrome. Last evaluated: 2023-12-13. Review status: criteria provided, single submitter. Criteria: Ambry Variant Classification Scheme 2023. Collection method: clinical testing. Allele origin: germline.
Comment: The p.Y321N variant (also known as c.961T>A), located in coding exon 6 of the MEN1 gene, results from a T to A substitution at nucleotide position 961. The tyrosine at codon 321 is replaced by asparagine, an amino acid with dissimilar properties. This amino acid position is conserved. In addition, this alteration is predicted to be deleterious by in silico analysis. Since supporting evidence is limited at this time, the clinical significance of this alteration remains unclear.

NM_001370259.2(MEN1):c.961T>A (p.Tyr321Asn)

Gene: MEN1 (menin 1; minus strand). Cytogenetic location: 11q13.1.
Variant type: single nucleotide variant.
Coding change: c.961T>A on transcript NM_001370259.2 (MANE Select); coding-DNA position 961, T replaced by A.
Protein change: p.Tyr321Asn; replaces tyrosine 321 with asparagine.
Molecular consequence: missense variant. On other transcripts: non-coding transcript variant (4).
Genome position (GRCh38, 1-based): chr11:64,806,320, A>T on the plus strand (T>A on the coding strand, the complement: MEN1 is on the minus strand). VCF-style: chr11-64806320-A-T. GRCh37 (hg19) VCF-style: chr11-64573792-A-T.
Other names: c.976T>A, p.Tyr326Asn (NM_000244.4, NM_001407145.1, NM_001407150.1 and 5 more transcripts); c.961T>A, p.Tyr321Asn (NM_001370251.2, NM_001370260.2, NM_001370261.2 and 7 more transcripts); c.856T>A, p.Tyr286Asn (NM_001370262.2, NM_001370263.2, NM_001407148.1 and 2 more transcripts); short protein forms Y286N, Y321N, Y326N.
Identifiers: ClinVar variation 3229117 (VCV003229117.1), dbSNP rs2497175177, ClinGen allele CA381183358.